The following is an entry in ClinVar:

NM_015046.7(SETX):c.5852A>T (p.His1951Leu)

Gene: SETX (senataxin; minus strand). Cytogenetic location: 9q34.13.
Variant type: single nucleotide variant.
Coding change: c.5852A>T on transcript NM_015046.7 (MANE Select); coding-DNA position 5852, A replaced by T.
Protein change: p.His1951Leu; replaces histidine 1951 with leucine.
Molecular consequence: missense variant.
Genome position (GRCh38, 1-based): chr9:132,296,984, T>A on the plus strand (A>T on the coding strand, the complement: SETX is on the minus strand). VCF-style: chr9-132296984-T-A. GRCh37 (hg19) VCF-style: chr9-135172371-T-A.
Other names: c.5852A>T, p.His1951Leu (NM_001351527.2, NM_001351528.2); short protein forms H1951L.
Identifiers: ClinVar variation 2416384 (VCV002416384.8), dbSNP rs146593865, ClinGen allele CA375344369.

ClinVar aggregate classification (germline): Uncertain significance (1 of 4 stars; one submission).

Conditions:
Spinocerebellar ataxia, autosomal recessive, with axonal neuropathy 2 (SCAN2). Also called: Ataxia-ocular apraxia-2; Ataxia with Oculomotor Apraxia; Ataxia with Oculomotor Apraxia Type 2; ATAXIA-OCULOMOTOR APRAXIA 2. Identifiers: Orphanet 64753, MedGen C1853761, MONDO:0018996, OMIM 606002.
Amyotrophic lateral sclerosis type 4 (ALS4). Also called: AMYOTROPHIC LATERAL SCLEROSIS 4, JUVENILE; NEURONOPATHY, DISTAL HEREDITARY MOTOR, WITH PYRAMIDAL FEATURES. Identifiers: Orphanet 357043, MedGen C1865409, MONDO:0011223, OMIM 602433.

Submission:

Labcorp Genetics (formerly Invitae), Labcorp
Classification: Uncertain significance for Amyotrophic lateral sclerosis type 4; Spinocerebellar ataxia, autosomal recessive, with axonal neuropathy 2. Last evaluated: 2022-02-02. Review status: criteria provided, single submitter. Criteria: Invitae Variant Classification Sherloc (09022015). Collection method: clinical testing. Allele origin: germline.
Comment: This sequence change replaces histidine, which is basic and polar, with leucine, which is neutral and non-polar, at codon 1951 of the SETX protein (p.His1951Leu). This variant is not present in population databases (gnomAD no frequency). This variant has not been reported in the literature in individuals affected with SETX-related conditions. Advanced modeling of protein sequence and biophysical properties (such as structural, functional, and spatial information, amino acid conservation, physicochemical variation, residue mobility, and thermodynamic stability) performed at Invitae indicates that this missense variant is not expected to disrupt SETX protein function. In summary, the available evidence is currently insufficient to determine the role of this variant in disease. Therefore, it has been classified as a Variant of Uncertain Significance.